The following is an entry in ClinVar:

NM_022124.6(CDH23):c.5411G>A (p.Arg1804Gln)

Gene: CDH23 (cadherin related 23; plus strand). Cytogenetic location: 10q22.1.
Variant type: single nucleotide variant.
Coding change: c.5411G>A on transcript NM_022124.6 (MANE Select); coding-DNA position 5411, G replaced by A.
Protein change: p.Arg1804Gln; replaces arginine 1804 with glutamine.
Molecular consequence: missense variant.
Genome position (GRCh38, 1-based): chr10:71,784,329, G>A. VCF-style: chr10-71784329-G-A. GRCh37 (hg19) VCF-style: chr10-73544086-G-A.
Other names: p.R1804Q:CGG>CAG; short protein forms R1804Q.
Identifiers: ClinVar variation 45978 (VCV000045978.26), dbSNP rs3802711, ClinGen allele CA137485.

ClinVar aggregate classification (germline): Benign/Likely benign. Review status: criteria provided, multiple submitters, no conflicts (2 of 4 stars). 13 submissions from 11 submitters: Benign (11); Likely benign (1). 1 of the submissions does not count toward it. Last evaluated 2026-02-04.

Conditions:
Usher syndrome type 1 (USH1). Also called: RETINITIS PIGMENTOSA AND CONGENITAL DEAFNESS. Identifiers: Orphanet 231169, Orphanet 886, MedGen C1568247, MONDO:0010168, OMIM 276900.
Retinitis pigmentosa-deafness syndrome. Also called: Dystrophia retinae pigmentosa-dysostosis syndrome; Graefe-Usher syndrome; Hallgren syndrome; RETINITIS PIGMENTOSA 21; RETINITIS PIGMENTOSA 8; Retinitis pigmentosa 8, formerly. Identifiers: MedGen C5779620, MONDO:0010775, OMIM 500004.
Autosomal recessive nonsyndromic hearing loss 12. Also called: DEAFNESS, AUTOSOMAL RECESSIVE 12. Identifiers: Orphanet 90636, MedGen C1832394, MONDO:0011067, OMIM 601386.
Usher syndrome type 1D (USH1D). Also called: USHER SYNDROME, TYPE ID. Identifiers: Orphanet 231169, Orphanet 886, MedGen C1832845, MONDO:0010984, OMIM 601067.

Allele frequency attached by ClinVar (database versions not stated): ESP Exome Variant Server 0.13641; 1000 Genomes Project 30x 0.13710; gnomAD 0.14136 and 0.14186; ExAC 0.15479; 1000 Genomes Project 0.13898; gnomAD exomes 0.15505 and 0.17232; TOPMed 0.13429.
gnomAD v4.1: 272,778 of 1,613,564 alleles (17%); highest among the groups gnomAD compares: East Asian, 27%; 24,289 homozygotes.

Submissions (13):

Labcorp Genetics (formerly Invitae), Labcorp
Classification: Benign. Last evaluated: 2026-02-04. Review status: criteria provided, single submitter. Criteria: Invitae Variant Classification Sherloc (09022015). Collection method: clinical testing. Allele origin: germline.

Women's Health and Genetics/Laboratory Corporation of America, LabCorp
Classification: Likely benign. Last evaluated: 2025-11-14. Review status: criteria provided, single submitter. Criteria: LabCorp Variant Classification Summary - May 2015. Collection method: clinical testing. Allele origin: germline.

Genome-Nilou Lab
Classification: Benign for Usher syndrome type 1D. Last evaluated: 2021-07-01. Review status: criteria provided, single submitter. Criteria: ACMG Guidelines, 2015. Collection method: clinical testing. Allele origin: germline. Affected: no.

Genome-Nilou Lab
Classification: Benign for Autosomal recessive nonsyndromic hearing loss 12. Last evaluated: 2021-07-01. Review status: criteria provided, single submitter. Criteria: ACMG Guidelines, 2015. Collection method: clinical testing. Allele origin: germline. Affected: no.

Mayo Clinic Laboratories, Mayo Clinic
Classification: Benign. Last evaluated: 2020-12-07. Review status: criteria provided, single submitter. Criteria: ACMG Guidelines, 2015. Collection method: clinical testing. Allele origin: germline. Observed: 46 variant alleles.

Mendelics
Classification: Benign for Retinitis pigmentosa-deafness syndrome. Last evaluated: 2019-05-28. Review status: criteria provided, single submitter. Criteria: Mendelics Assertion Criteria 2017. Collection method: clinical testing. Allele origin: unknown.

Illumina Laboratory Services, Illumina
Classification: Benign for Autosomal recessive nonsyndromic hearing loss 12. Last evaluated: 2018-01-13. Review status: criteria provided, single submitter. Criteria: ICSL Variant Classification Criteria 13 December 2019. Collection method: clinical testing. Allele origin: germline.
Comment: This variant was observed in the ICSL laboratory as part of a predisposition screen in an ostensibly healthy population. It had not been previously curated by ICSL or reported in the Human Gene Mutation Database (HGMD: prior to June 1st, 2018), and was therefore a candidate for classification through an automated scoring system. Utilizing variant allele frequency, disease prevalence and penetrance estimates, and inheritance mode, an automated score was calculated to assess if this variant is too frequent to cause the disease. Based on the score and internal cut-off values, a variant classified as benign is not then subjected to further curation. The score for this variant resulted in a classification of benign for this disease.

Illumina Laboratory Services, Illumina
Classification: Benign for Usher syndrome type 1D. Last evaluated: 2018-01-13. Review status: criteria provided, single submitter. Criteria: ICSL Variant Classification Criteria 13 December 2019. Collection method: clinical testing. Allele origin: germline.
Comment: the same text as in the submission from Illumina Laboratory Services, Illumina above.

GeneDx
Classification: Benign. Last evaluated: 2013-01-07. Review status: criteria provided, single submitter. Criteria: GeneDx Variant Classification (06012015). Collection method: clinical testing. Allele origin: germline. Affected: yes.
Comment: This variant is considered likely benign or benign based on one or more of the following criteria: it is a conservative change, it occurs at a poorly conserved position in the protein, it is predicted to be benign by multiple in silico algorithms, and/or has population frequency not consistent with disease.

Laboratory for Molecular Medicine, Mass General Brigham Personalized Medicine
Classification: Benign. Last evaluated: 2009-06-12. Review status: criteria provided, single submitter. Criteria: LMM Criteria. Collection method: clinical testing. Allele origin: germline. Observed: 616 variant alleles.

Breakthrough Genomics
Classification: Benign. Review status: criteria provided, single submitter. Criteria: ACMG Guidelines, 2015. Collection method: not provided. Allele origin: germline. Inheritance: Autosomal recessive inheritance. Affected: yes.

PreventionGenetics, part of Exact Sciences
Classification: Benign. Review status: criteria provided, single submitter. Criteria: ACMG Guidelines, 2015. Collection method: clinical testing. Allele origin: germline.

Natera, Inc.
Classification: Benign for Usher syndrome type 1. Last evaluated: 2020-09-16. Review status: no assertion criteria provided. Collection method: clinical testing. Allele origin: germline. Not counted in ClinVar's aggregate classification.